The following is an entry in ClinVar:

NM_001184.4(ATR):c.2699C>T (p.Ser900Leu)

Gene: ATR (ATR checkpoint kinase; minus strand). Cytogenetic location: 3q23.
Variant type: single nucleotide variant.
Coding change: c.2699C>T on transcript NM_001184.4 (MANE Select); coding-DNA position 2699, C replaced by T.
Protein change: p.Ser900Leu; replaces serine 900 with leucine.
Molecular consequence: missense variant.
Genome position (GRCh38, 1-based): chr3:142,553,333, G>A on the plus strand (C>T on the coding strand, the complement: ATR is on the minus strand). VCF-style: chr3-142553333-G-A. GRCh37 (hg19) VCF-style: chr3-142272175-G-A.
Other names: c.2507C>T, p.Ser836Leu (NM_001354579.2); short protein forms S836L, S900L.
Identifiers: ClinVar variation 1794869 (VCV001794869.2), dbSNP rs2108462471, ClinGen allele CA354814677.

ClinVar aggregate classification (germline): Uncertain significance (1 of 4 stars; one submission).

Conditions:
Inborn genetic diseases. Identifiers: MedGen C0950123, MeSH D030342.

Submission:

Ambry Genetics
Classification: Uncertain significance for Inborn genetic diseases. Last evaluated: 2022-08-31. Review status: criteria provided, single submitter. Criteria: Ambry Variant Classification Scheme 2023. Collection method: clinical testing. Allele origin: germline.
Comment: The p.S900L variant (also known as c.2699C>T), located in coding exon 13 of the ATR gene, results from a C to T substitution at nucleotide position 2699. The serine at codon 900 is replaced by leucine, an amino acid with dissimilar properties. This amino acid position is conserved. In addition, this alteration is predicted to be deleterious by in silico analysis. Since supporting evidence is limited at this time, the clinical significance of this alteration remains unclear.